The following is an entry in ClinVar:

NM_001127511.3(APC):c.65T>C (p.Leu22Pro)

Gene: APC (APC regulator of Wnt signaling pathway; plus strand). Cytogenetic location: 5q22.2.
Variant type: single nucleotide variant.
Coding change: c.65T>C on transcript NM_001127511.3; coding-DNA position 65, T replaced by C.
Protein change: p.Leu22Pro; replaces leucine 22 with proline.
Molecular consequence: missense variant. On other transcripts: 5 prime UTR variant (8), non-coding transcript variant (1), intron variant (5).
Genome position (GRCh38, 1-based): chr5:112,707,782, T>C. VCF-style: chr5-112707782-T-C. GRCh37 (hg19) VCF-style: chr5-112043479-T-C.
Other names: c.-119T>C (NM_001354895.2, NM_001407447.1, NM_001407452.1 and 3 more transcripts); c.65T>C, p.Leu22Pro (NM_001354897.2, NM_001354902.2, NM_001407446.1); c.-1154T>C (NM_001407470.1, NM_001407472.1); c.-19+133T>C (NM_001407448.1, NM_001407450.1, NM_001407457.1 and 1 more transcripts); c.-43+133T>C (NM_001407453.1); short protein forms L22P.
Identifiers: ClinVar variation 1041235 (VCV001041235.7), dbSNP rs1750607611, ClinGen allele CA360611832.
Genomic context (GRCh38, chr5:112,707,782, plus strand): 5'-ACGCCTCCCTGGGCTCGGGTCCGGTCGCCCCTTTGCCCGCTTCTGTACCACCCTCAGTTC[T>C]CGGGTCCTGGAGCACCGGCGGCAGCAGGAGCTGCGTCCGGCAGGAGACGAAGAGCCCGGG-3'

ClinVar aggregate classification (germline): Uncertain significance (1 of 4 stars; one submission).

Conditions:
Familial adenomatous polyposis 1 (FAP1). Also called: FAMILIAL ADENOMATOUS POLYPOSIS 1, ATTENUATED; POLYPOSIS, ADENOMATOUS INTESTINAL. Identifiers: MedGen C2713442, MONDO:0021056, OMIM 175100. Disease mechanism: loss of function.

Allele frequency attached by ClinVar (database versions not stated): gnomAD exomes below 0.00001.
gnomAD v4.1: 1 of 1,370,618 alleles (0.000073%); highest among the groups gnomAD compares: Non-Finnish European, 0.000096%; no homozygotes.

Submission:

Labcorp Genetics (formerly Invitae), Labcorp
Classification: Uncertain significance for Familial adenomatous polyposis 1. Last evaluated: 2022-06-28. Review status: criteria provided, single submitter. Criteria: Invitae Variant Classification Sherloc (09022015). Collection method: clinical testing. Allele origin: germline.
Comment: In summary, the available evidence is currently insufficient to determine the role of this variant in disease. Therefore, it has been classified as a Variant of Uncertain Significance. Experimental studies and prediction algorithms are not available or were not evaluated, and the functional significance of this variant is currently unknown. This variant has not been reported in the literature in individuals affected with APC-related conditions. This variant is not present in population databases (gnomAD no frequency). This variant occurs in a non-coding region of the APC gene. It does not change the encoded amino acid sequence of the APC protein.